The following is an entry in ClinVar:

NM_001184880.2(PCDH19):c.2009_2010del (p.Glu670fs)

Gene: PCDH19 (protocadherin 19; minus strand). Cytogenetic location: Xq22.1.
Variant type: Microsatellite.
Coding change: c.2009_2010del on transcript NM_001184880.2 (MANE Select); coding-DNA positions 2009 to 2010, 2 bases deleted (AG; older notation c.2009_2010delAG).
Protein change: p.Glu670fs; shifts the reading frame from glutamic acid 670.
Molecular consequence: frameshift variant.
Genome position (GRCh38, 1-based): chrX:100,406,588-100,406,589, CT deleted on the plus strand (AG on the coding strand, the reverse complement: PCDH19 is on the minus strand); deleting any 2 consecutive bases within chrX:100,406,588-100,406,591 gives the same sequence; the c. name uses the placement nearest the transcript's 3' end. VCF-style (leftmost placement, unchanged base first): chrX-100406587-ACT-A. GRCh37 (hg19) VCF-style: chrX-99661585-ACT-A.
Other names: c.2009_2010del, p.Glu670fs (NM_001105243.2, NM_020766.3); short protein forms E670fs.
Identifiers: ClinVar variation 2035578 (VCV002035578.4), dbSNP rs2520976154, ClinGen allele CA2580612441.
Genomic context (GRCh38, chrX:100,406,587, plus strand): 5'-TGCCCGCAATGGAGCCCAGGGCAATAATGAAAATCAAGGACAAGTTCACAGAGCCCATTG[ACT>A]CTTGGGCATCGAGAGCAGGGGACAAGTAGATTAGGACGAGAGCAGAGGCAGAGAGAGATG-3'

ClinVar aggregate classification (germline): Pathogenic (1 of 4 stars; one submission).

Conditions:
Developmental and epileptic encephalopathy, 9 (DEE9). Also called: Early infantile epileptic encephalopathy 9; EPILEPSY, FEMALE-RESTRICTED, WITH MENTAL RETARDATION; JUBERG-HELLMAN SYNDROME; PCDH19-Related X-Linked Female-Limited Epilepsy with Mental Retardation. Identifiers: Orphanet 101039, Orphanet 2076, MedGen C1848137, MONDO:0010246, OMIM 300088. Disease mechanism: loss of function.

Submission:

Labcorp Genetics (formerly Invitae), Labcorp
Classification: Pathogenic for Developmental and epileptic encephalopathy, 9. Last evaluated: 2022-10-14. Review status: criteria provided, single submitter. Criteria: Invitae Variant Classification Sherloc (09022015). Collection method: clinical testing. Allele origin: germline.
Comment: This sequence change creates a premature translational stop signal (p.Glu670Valfs*47) in the PCDH19 gene. It is expected to result in an absent or disrupted protein product. Loss-of-function variants in PCDH19 are known to be pathogenic (PMID: 21053371). This variant is not present in population databases (gnomAD no frequency). This variant has not been reported in the literature in individuals affected with PCDH19-related conditions. For these reasons, this variant has been classified as Pathogenic.

Literature cited by the submitters: PubMed 21053371.